The following is an entry in ClinVar:

ClinVar aggregate classification (germline): Likely benign. Review status: criteria provided, multiple submitters, no conflicts (2 of 4 stars). 2 submissions from 2 submitters: Likely benign (2). Last evaluated 2023-12-17.

Conditions:
Progressive myoclonic epilepsy. Also called: Familial progressive myoclonic epilepsy; Progressive myoclonus epilepsy; Myoclonic Epilepsies, Progressive; Myoclonus epilepsy. Identifiers: Orphanet 308, Orphanet 98261, MedGen C0751778, MONDO:0020074.

Allele frequency attached by ClinVar (database versions not stated): ExAC 0.00002; gnomAD exomes 0.00001; gnomAD 0.00002; TOPMed 0.00003.

Submissions (2):

Labcorp Genetics (formerly Invitae), Labcorp
Classification: Likely benign for Progressive myoclonic epilepsy. Last evaluated: 2023-12-17. Review status: criteria provided, single submitter. Criteria: Invitae Variant Classification Sherloc (09022015). Collection method: clinical testing. Allele origin: germline.

GeneDx
Classification: Likely benign. Last evaluated: 2017-12-19. Review status: criteria provided, single submitter. Criteria: GeneDx Variant Classification (06012015). Collection method: clinical testing. Allele origin: germline. Affected: yes.
Comment: This variant is considered likely benign or benign based on one or more of the following criteria: it is a conservative change, it occurs at a poorly conserved position in the protein, it is predicted to be benign by multiple in silico algorithms, and/or has population frequency not consistent with disease.

NM_000100.4(CSTB):c.180C>T (p.Gly60=)

Gene: CSTB (cystatin B; minus strand). Cytogenetic location: 21q22.3.
Variant type: single nucleotide variant.
Coding change: c.180C>T on transcript NM_000100.4 (MANE Select); coding-DNA position 180, C replaced by T.
Protein change: p.Gly60=; no amino-acid change (glycine 60 retained).
Molecular consequence: synonymous variant.
Genome position (GRCh38, 1-based): chr21:43,774,319, G>A on the plus strand (C>T on the coding strand, the complement: CSTB is on the minus strand). VCF-style: chr21-43774319-G-A. GRCh37 (hg19) VCF-style: chr21-45194200-G-A.
Identifiers: ClinVar variation 382348 (VCV000382348.8), dbSNP rs771027631, ClinGen allele CA10048880.